The following is an entry in ClinVar:

NM_020745.4(AARS2):c.2430del (p.Ser811fs)

Gene: AARS2 (alanyl-tRNA synthetase 2, mitochondrial; minus strand). Cytogenetic location: 6p21.1.
Variant type: Deletion.
Coding change: c.2430del on transcript NM_020745.4 (MANE Select); coding-DNA position 2430, one base deleted (G; older notation c.2430delG).
Protein change: p.Ser811fs; shifts the reading frame from serine 811.
Molecular consequence: frameshift variant.
Genome position (GRCh38, 1-based): chr6:44,302,448, C deleted on the plus strand (G on the coding strand, the reverse complement: AARS2 is on the minus strand); the first of 4 consecutive C bases (chr6:44,302,448-44,302,451); deleting any one gives the same sequence. VCF-style (leftmost placement, unchanged base first): chr6-44302447-TC-T. GRCh37 (hg19) VCF-style: chr6-44270184-TC-T.
Other names: short protein forms S811fs.
Identifiers: ClinVar variation 3696430 (VCV003696430.2).

ClinVar aggregate classification (germline): Pathogenic (1 of 4 stars; one submission).

Submission:

Labcorp Genetics (formerly Invitae), Labcorp
Classification: Pathogenic. Last evaluated: 2024-04-19. Review status: criteria provided, single submitter. Criteria: Invitae Variant Classification Sherloc (09022015). Collection method: clinical testing. Allele origin: germline.
Comment: This sequence change creates a premature translational stop signal (p.Ser811Alafs*8) in the AARS2 gene. It is expected to result in an absent or disrupted protein product. Loss-of-function variants in AARS2 are known to be pathogenic (PMID: 24808023, 30285085, 30819764). This variant is not present in population databases (gnomAD no frequency). This variant has not been reported in the literature in individuals affected with AARS2-related conditions. For these reasons, this variant has been classified as Pathogenic.

Literature cited by the submitters: PubMed 24808023; PubMed 30285085; PubMed 30819764.